The following is an entry in ClinVar:

ClinVar aggregate classification (germline): Conflicting classifications of pathogenicity. Review status: criteria provided, conflicting classifications (1 of 4 stars). 4 submissions from 4 submitters: Pathogenic (1); Uncertain significance (2). 1 of the submissions does not count toward it. Last evaluated 2024-02-24.

Conditions:
Retinal dystrophy. Also called: Inherited retinal dystrophy. Identifiers: Orphanet 71862, MedGen C0854723, MeSH D058499, MONDO:0019118, HP:0000556.
Retinitis pigmentosa 17 (RP17). Identifiers: Orphanet 791, MedGen C1833245, MONDO:0010945, OMIM 600852.

Allele frequency attached by ClinVar (database versions not stated): ExAC 0.00002; gnomAD exomes 0.00002 and 0.00004; TOPMed 0.00002.
gnomAD v4.1: 33 of 1,613,990 alleles (0.002%); highest among the groups gnomAD compares: South Asian, 0.019%; no homozygotes.

Submissions (4):

Labcorp Genetics (formerly Invitae), Labcorp
Classification: Pathogenic. Last evaluated: 2024-02-24. Review status: criteria provided, single submitter. Criteria: Invitae Variant Classification Sherloc (09022015). Collection method: clinical testing. Allele origin: germline.
Comment: This sequence change replaces arginine, which is basic and polar, with histidine, which is basic and polar, at codon 69 of the CA4 protein (p.Arg69His). This variant is present in population databases (rs121434552, gnomAD 0.02%). This missense change has been observed in individuals with retinitis pigmentosa (PMID: 17652713, 20450258). ClinVar contains an entry for this variant (Variation ID: 17609). Advanced modeling of protein sequence and biophysical properties (such as structural, functional, and spatial information, amino acid conservation, physicochemical variation, residue mobility, and thermodynamic stability) performed at Invitae indicates that this missense variant is not expected to disrupt CA4 protein function with a negative predictive value of 80%. Experimental studies have shown that this missense change affects CA4 function (PMID: 17652713, 19211803). This variant disrupts the p.Arg69 amino acid residue in CA4. Other variant(s) that disrupt this residue have been observed in individuals with CA4-related conditions (Invitae), which suggests that this may be a clinically significant amino acid residue. For these reasons, this variant has been classified as Pathogenic.

Dept Of Ophthalmology, Nagoya University
Classification: Uncertain significance for Retinal dystrophy. Last evaluated: 2023-10-01. Review status: criteria provided, single submitter. Criteria: Submitter's publication. Collection method: research. Allele origin: germline. Affected: yes.

Blueprint Genetics
Classification: Uncertain significance. Last evaluated: 2023-09-20. Review status: criteria provided, single submitter. Criteria: ACMG Guidelines, 2015. Collection method: clinical testing. Allele origin: germline.

OMIM
Classification: Uncertain significance for RECLASSIFIED - VARIANT OF UNKNOWN SIGNIFICANCE. Last evaluated: 2007-08-01. Review status: no assertion criteria provided. Collection method: literature only. Allele origin: germline. Not counted in ClinVar's aggregate classification.

Literature cited by the submitters: PubMed 17652713 (cited by Labcorp Genetics (formerly Invitae), Labcorp and OMIM); PubMed 20450258 (cited by Labcorp Genetics (formerly Invitae), Labcorp); PubMed 19211803 (cited by Labcorp Genetics (formerly Invitae), Labcorp); PubMed 33022222 (cited by OMIM).

NM_000717.5(CA4):c.206G>A (p.Arg69His)

Gene: CA4 (carbonic anhydrase 4; plus strand). Cytogenetic location: 17q23.1.
Variant type: single nucleotide variant.
Coding change: c.206G>A on transcript NM_000717.5 (MANE Select); coding-DNA position 206, G replaced by A.
Protein change: p.Arg69His; replaces arginine 69 with histidine.
Molecular consequence: missense variant. On other transcripts: non-coding transcript variant (1).
Genome position (GRCh38, 1-based): chr17:60,156,653, G>A. VCF-style: chr17-60156653-G-A. GRCh37 (hg19) VCF-style: chr17-58234014-G-A.
Other names: short protein forms R69H.
Identifiers: ClinVar variation 17609 (VCV000017609.8), dbSNP rs121434552, ClinGen allele CA258046.
Genomic context (GRCh38, chr17:60,156,653, plus strand): 5'-ACCGCCAGTCCCCCATCAACATCGTCACCACCAAGGCAAAGGTGGACAAAAAACTGGGAC[G>A]CTTCTTCTTCTCTGGCTACGATAAGAAGCAAACGTGGACTGTCCAAAATAACGGGCACTC-3'
Protein context (NP_000708.1, residues 59-79): TKAKVDKKLG[Arg69His]FFFSGYDKKQ